The following is an entry in ClinVar:

ClinVar aggregate classification (germline): Uncertain significance (1 of 4 stars; one submission).

Conditions:
Cardiovascular phenotype. Identifiers: MedGen CN230736.
Hereditary cancer-predisposing syndrome. Also called: Neoplastic Syndromes, Hereditary; Tumor predisposition; Hereditary Cancer Syndrome; Hereditary neoplastic syndrome. Identifiers: Orphanet 140162, MedGen C0027672, MeSH D009386, MONDO:0015356.

Submission:

Ambry Genetics
Classification: Uncertain significance for Cardiovascular phenotype; Hereditary cancer-predisposing syndrome. Last evaluated: 2026-04-15. Review status: criteria provided, single submitter. Criteria: Ambry Variant Classification Scheme 2023. Collection method: clinical testing. Allele origin: germline.
Comment: The c.3314+4A>G intronic variant results from an A to G substitution 4 nucleotides after coding exon 25 in the NF1 gene. This nucleotide position is highly conserved in available vertebrate species. In silico splice site analysis predicts that this alteration may weaken the native splice donor site; however, direct evidence is insufficient at this time (Ambry internal data). Based on the available evidence, the clinical significance of this variant remains unclear.

NM_001042492.3(NF1):c.3314+4A>G

Gene: NF1 (neurofibromin 1; plus strand). Cytogenetic location: 17q11.2.
Variant type: single nucleotide variant.
Coding change: c.3314+4A>G on transcript NM_001042492.3 (MANE Select); 4 bases into the intron after coding-DNA position 3314, A replaced by G.
Molecular consequence: intron variant.
Genome position (GRCh38, 1-based): chr17:31,232,193, A>G. VCF-style: chr17-31232193-A-G. GRCh37 (hg19) VCF-style: chr17-29559211-A-G.
Other names: c.3314+4A>G (NM_000267.4).
Identifiers: ClinVar variation 4860915 (VCV004860915.1).